The following is an entry in ClinVar:

Single allele

Genes: C9 (complement C9; minus strand), DAB2 (DAB adaptor protein 2; minus strand), FYB1 (FYN binding protein 1; minus strand), LINC00603 (long intergenic non-protein coding RNA 603; plus strand), LINC00604 (long intergenic non-protein coding RNA 604; plus strand) and 21 more. Cytogenetic location: 5p13.1.
Variant type: Deletion.
Identifiers: ClinVar variation 560053 (VCV000560053.3).

ClinVar aggregate classification (germline): Uncertain significance (1 of 4 stars; one submission).

Submission:

Geisinger Autism and Developmental Medicine Institute, Geisinger Health System
Classification: Uncertain significance. Last evaluated: 2017-08-03. Review status: criteria provided, single submitter. Criteria: ACMG CNV Guidelines, 2011. Collection method: provider interpretation. Allele origin: maternal.
Comment: It is also a fairly gene-poor region.